The following is an entry in ClinVar:

NM_006218.4(PIK3CA):c.2477A>G (p.Asn826Ser)

Gene: PIK3CA (phosphatidylinositol-4,5-bisphosphate 3-kinase catalytic subunit alpha; plus strand). Cytogenetic location: 3q26.32.
Variant type: single nucleotide variant.
Coding change: c.2477A>G on transcript NM_006218.4 (MANE Select); coding-DNA position 2477, A replaced by G.
Protein change: p.Asn826Ser; replaces asparagine 826 with serine.
Molecular consequence: missense variant.
Genome position (GRCh38, 1-based): chr3:179,226,022, A>G. VCF-style: chr3-179226022-A-G. GRCh37 (hg19) VCF-style: chr3-178943810-A-G.
Other names: short protein forms N826S.
Identifiers: ClinVar variation 3418550 (VCV003418550.1).

ClinVar aggregate classification (germline): Uncertain significance (1 of 4 stars; one submission).

Conditions:
Inborn genetic diseases. Identifiers: MedGen C0950123, MeSH D030342.

gnomAD v4.1: 1 of 1,595,942 alleles (0.000063%); highest among the groups gnomAD compares: African/African-American, 0.0013%; no homozygotes.

Submission:

Ambry Genetics
Classification: Uncertain significance for Inborn genetic diseases. Last evaluated: 2024-11-10. Review status: criteria provided, single submitter. Criteria: Ambry Variant Classification Scheme 2023. Collection method: clinical testing. Allele origin: germline.
Comment: The p.N826S variant (also known as c.2477A>G), located in coding exon 16 of the PIK3CA gene, results from an A to G substitution at nucleotide position 2477. The asparagine at codon 826 is replaced by serine, an amino acid with highly similar properties. This amino acid position is conserved. In addition, this alteration is predicted to be tolerated by in silico analysis. Based on the available evidence, the clinical significance of this variant remains unclear.